The following is an entry in ClinVar:

ClinVar aggregate classification (germline): Benign. Review status: criteria provided, multiple submitters, no conflicts (2 of 4 stars). 2 submissions from 2 submitters: Benign (2). Last evaluated 2018-06-19.

Allele frequency attached by ClinVar (database versions not stated): 1000 Genomes Project 0.47085; 1000 Genomes Project 30x 0.47096; gnomAD 0.50011 and 0.50014; TOPMed 0.50214; gnomAD exomes 0.53374.
gnomAD v4.1: 813,959 of 1,535,172 alleles (53%); highest among the groups gnomAD compares: Middle Eastern, 55%; 217,976 homozygotes.

Submissions (2):

GeneDx
Classification: Benign. Last evaluated: 2018-06-19. Review status: criteria provided, single submitter. Criteria: GeneDx Variant Classification (06012015). Collection method: clinical testing. Allele origin: germline. Affected: yes.
Comment: This variant is considered likely benign or benign based on one or more of the following criteria: it is a conservative change, it occurs at a poorly conserved position in the protein, it is predicted to be benign by multiple in silico algorithms, and/or has population frequency not consistent with disease.

Breakthrough Genomics
Classification: Benign. Review status: criteria provided, single submitter. Criteria: ACMG Guidelines, 2015. Collection method: not provided. Allele origin: germline. Inheritance: Autosomal recessive inheritance. Affected: yes.

NM_005045.4(RELN):c.2465+69A>G

Gene: RELN (reelin; minus strand). Cytogenetic location: 7q22.1.
Variant type: single nucleotide variant.
Coding change: c.2465+69A>G on transcript NM_005045.4 (MANE Select); 69 bases into the intron after coding-DNA position 2465, A replaced by G.
Molecular consequence: intron variant.
Genome position (GRCh38, 1-based): chr7:103,635,356, T>C on the plus strand (A>G on the coding strand, the complement: RELN is on the minus strand). VCF-style: chr7-103635356-T-C. GRCh37 (hg19) VCF-style: chr7-103275803-T-C.
Other names: c.2465+69A>G (NM_173054.3).
Identifiers: ClinVar variation 670968 (VCV000670968.2), dbSNP rs362646, ClinGen allele CA12517233.